The following is an entry in ClinVar:

NM_130384.3(ATRIP):c.2356C>G (p.Pro786Ala)

Genes: ATRIP (ATR interacting protein; plus strand), ATRIP-TREX1 (ATRIP-TREX1 readthrough; plus strand), LOC129936704 (ATAC-STARR-seq lymphoblastoid active region 19829; plus strand). Cytogenetic location: 3p21.31.
Variant type: single nucleotide variant.
Coding change: c.2356C>G on transcript NM_130384.3 (MANE Select); coding-DNA position 2356, C replaced by G.
Protein change: p.Pro786Ala; replaces proline 786 with alanine.
Molecular consequence: missense variant. On other transcripts: non-coding transcript variant (1).
Genome position (GRCh38, 1-based): chr3:48,465,534, C>G. VCF-style: chr3-48465534-C-G. GRCh37 (hg19) VCF-style: chr3-48506933-C-G.
Other names: c.-802C>G (NM_033629.4); c.1975C>G, p.Pro659Ala (NM_001271022.2); c.2077C>G, p.Pro693Ala (NM_001271023.2); c.2275C>G, p.Pro759Ala (NM_032166.4); short protein forms P693A, P786A, P659A, P759A.
Identifiers: ClinVar variation 4644552 (VCV004644552.1).

ClinVar aggregate classification (germline): Uncertain significance (1 of 4 stars; one submission).

Submission:

Ambry Genetics
Classification: Uncertain significance. Last evaluated: 2025-10-22. Review status: criteria provided, single submitter. Criteria: Ambry Variant Classification Scheme 2023. Collection method: clinical testing. Allele origin: germline.
Comment: The p.P786A variant (also known as c.2356C>G), located in coding exon 13 of the ATRIP gene, results from a C to G substitution at nucleotide position 2356. The proline at codon 786 is replaced by alanine, an amino acid with highly similar properties. This amino acid position is conserved. In addition, this alteration is predicted to be tolerated by in silico analysis. Based on the available evidence, the clinical significance of this variant remains unclear.